The following is an entry in ClinVar:

ClinVar aggregate classification (germline): Conflicting classifications of pathogenicity. Review status: criteria provided, conflicting classifications (1 of 4 stars). 2 submissions from 2 submitters: Uncertain significance (1); Likely benign (1). Last evaluated 2024-04-25.

Conditions:
Bethlem myopathy 1A. Also called: MYOPATHY, BENIGN CONGENITAL, WITH CONTRACTURES; Bethlem Muscular Dystrophy; Bethlem myopathy 1. Identifiers: Orphanet 610, MedGen CN029274, MONDO:0024530, OMIM 158810.

Allele frequency attached by ClinVar (database versions not stated): TOPMed 0.00002; gnomAD 0.00003; gnomAD exomes 0.00003 and 0.00004; ExAC 0.00004; ESP Exome Variant Server 0.00015.
gnomAD v4.1: 27 of 990,310 alleles (0.0027%); highest among the groups gnomAD compares: Admixed American, 0.0077%; no homozygotes.

Submissions (2):

Labcorp Genetics (formerly Invitae), Labcorp
Classification: Uncertain significance for Bethlem myopathy 1A. Last evaluated: 2024-04-25. Review status: criteria provided, single submitter. Criteria: Invitae Variant Classification Sherloc (09022015). Collection method: clinical testing. Allele origin: germline.
Comment: This sequence change falls in intron 25 of the COL6A2 gene. It does not directly change the encoded amino acid sequence of the COL6A2 protein. It affects a nucleotide within the consensus splice site. This variant is present in population databases (rs374669895, gnomAD 0.01%). This variant has not been reported in the literature in individuals affected with COL6A2-related conditions. ClinVar contains an entry for this variant (Variation ID: 1000023). Variants that disrupt the consensus splice site are a relatively common cause of aberrant splicing (PMID: 17576681, 9536098). Algorithms developed to predict the effect of sequence changes on RNA splicing suggest that this variant is not likely to affect RNA splicing. In summary, the available evidence is currently insufficient to determine the role of this variant in disease. Therefore, it has been classified as a Variant of Uncertain Significance.

Blueprint Genetics
Classification: Likely benign. Last evaluated: 2024-01-19. Review status: criteria provided, single submitter. Criteria: ACMG Guidelines, 2015. Collection method: clinical testing. Allele origin: germline.

Literature cited by the submitters: PubMed 17576681 (cited by Labcorp Genetics (formerly Invitae), Labcorp); PubMed 9536098 (cited by Labcorp Genetics (formerly Invitae), Labcorp).

NM_001849.4(COL6A2):c.1969+6C>T

Gene: COL6A2 (collagen type VI alpha 2 chain; plus strand). Cytogenetic location: 21q22.3.
Variant type: single nucleotide variant.
Coding change: c.1969+6C>T on transcript NM_001849.4 (MANE Select); 6 bases into the intron after coding-DNA position 1969, C replaced by T.
Molecular consequence: intron variant.
Genome position (GRCh38, 1-based): chr21:46,125,623, C>T. VCF-style: chr21-46125623-C-T. GRCh37 (hg19) VCF-style: chr21-47545537-C-T.
Other names: c.1969+6C>T (NM_058175.3, NM_058174.3).
Identifiers: ClinVar variation 1000023 (VCV001000023.8), dbSNP rs374669895, ClinGen allele CA10072355.